The following is an entry in ClinVar:

NM_000431.4(MVK):c.973C>T (p.Arg325Cys)

Gene: MVK (mevalonate kinase; plus strand). Cytogenetic location: 12q24.11.
Variant type: single nucleotide variant.
Coding change: c.973C>T on transcript NM_000431.4 (MANE Select); coding-DNA position 973, C replaced by T.
Protein change: p.Arg325Cys; replaces arginine 325 with cysteine.
Molecular consequence: missense variant.
Genome position (GRCh38, 1-based): chr12:109,595,115, C>T. VCF-style: chr12-109595115-C-T. GRCh37 (hg19) VCF-style: chr12-110032920-C-T.
Other names: c.973C>T, p.Arg325Cys (NM_001114185.3, NM_001414511.1, NM_001414513.1); c.817C>T, p.Arg273Cys (NM_001301182.2, NM_001414514.1); c.1048C>T, p.Arg350Cys (NM_001414512.1); c.391C>T, p.Arg131Cys (NM_001414515.1); c.973C>T (NM_000431.3); short protein forms R131C, R325C, R350C, R273C.
Identifiers: ClinVar variation 1983477 (VCV001983477.4), dbSNP rs761813144, ClinGen allele CA243461816.

ClinVar aggregate classification (germline): Uncertain significance. Review status: criteria provided, multiple submitters, no conflicts (2 of 4 stars). 3 submissions from 3 submitters: Uncertain significance (3). Last evaluated 2026-08-05.

Conditions:
MVK-related disorder. Also called: MVK-related disorders; MVK-related condition. Identifiers: MedGen CN239294.
Mevalonic aciduria (MEVA). Identifiers: Orphanet 29, MedGen C1959626, MONDO:0012481, OMIM 610377.
Porokeratosis 3, disseminated superficial actinic type (POROK3). Also called: POROKERATOSIS, DISSEMINATED SUPERFICIAL ACTINIC, 1; POROKERATOSIS 3, MULTIPLE TYPES; POROKERATOSIS 3, MIBELLI TYPE. Identifiers: MedGen C1867981, MONDO:0008293, OMIM 175900.
Hyperimmunoglobulin D with periodic fever (HIDS). Also called: Hyperimmunoglobulinemia D; Hyperimmunoglobulinemia D with periodic fever; HYPERIMMUNOGLOBULINEMIA D AND PERIODIC FEVER SYNDROME. Identifiers: Orphanet 343, MedGen C0398691, MONDO:0009849, OMIM 260920.

Allele frequency attached by ClinVar (database versions not stated): gnomAD exomes 0.00001; gnomAD 0.00003; TOPMed 0.00008.
gnomAD v4.1: 27 of 1,614,022 alleles (0.0017%); highest among the groups gnomAD compares: African/African-American, 0.017%; no homozygotes.

Submissions (3):

PreventionGenetics, part of Exact Sciences
Classification: Uncertain significance for MVK-related condition. Last evaluated: 2026-08-05. Review status: criteria provided, single submitter. Criteria: ACMG Guidelines, 2015. Collection method: clinical testing. Allele origin: germline.
Comment: The MVK c.973C>T variant is predicted to result in the amino acid substitution p.Arg325Cys. To our knowledge, this variant has not been reported in the literature. This variant is reported in 0.012% of alleles in individuals of African descent in gnomAD. At this time, the clinical significance of this variant is uncertain due to the absence of conclusive functional and genetic evidence.

Labcorp Genetics (formerly Invitae), Labcorp
Classification: Uncertain significance for Mevalonic aciduria; Hyperimmunoglobulin D with periodic fever; Porokeratosis 3, disseminated superficial actinic type. Last evaluated: 2024-09-27. Review status: criteria provided, single submitter. Criteria: Invitae Variant Classification Sherloc (09022015). Collection method: clinical testing. Allele origin: germline.
Comment: This sequence change replaces arginine, which is basic and polar, with cysteine, which is neutral and slightly polar, at codon 325 of the MVK protein (p.Arg325Cys). This variant is present in population databases (rs761813144, gnomAD 0.01%). This variant has not been reported in the literature in individuals affected with MVK-related conditions. ClinVar contains an entry for this variant (Variation ID: 1983477). Invitae Evidence Modeling of protein sequence and biophysical properties (such as structural, functional, and spatial information, amino acid conservation, physicochemical variation, residue mobility, and thermodynamic stability) indicates that this missense variant is not expected to disrupt MVK protein function with a negative predictive value of 80%. In summary, the available evidence is currently insufficient to determine the role of this variant in disease. Therefore, it has been classified as a Variant of Uncertain Significance.

Fulgent Genetics
Classification: Uncertain significance for Porokeratosis 3, disseminated superficial actinic type; Hyperimmunoglobulin D with periodic fever; Mevalonic aciduria. Last evaluated: 2024-04-09. Review status: criteria provided, single submitter. Criteria: ACMG Guidelines, 2015. Collection method: clinical testing. Allele origin: germline.